The following is an entry in ClinVar:

ClinVar aggregate classification (germline): Likely benign. Review status: criteria provided, multiple submitters, no conflicts (2 of 4 stars). 3 submissions from 3 submitters: Likely benign (3). Last evaluated 2026-08-01.

Conditions:
Hereditary cancer-predisposing syndrome. Also called: Hereditary neoplastic syndrome; Hereditary Cancer Syndrome; Neoplastic Syndromes, Hereditary; Tumor predisposition. Identifiers: Orphanet 140162, MedGen C0027672, MeSH D009386, MONDO:0015356.
Multiple endocrine neoplasia type 4. Also called: MULTIPLE ENDOCRINE NEOPLASIA, TYPE IV. Identifiers: Orphanet 276152, MedGen C1970712, MONDO:0012552, OMIM 610755.

Allele frequency attached by ClinVar (database versions not stated): gnomAD exomes below 0.00001; ExAC 0.00001; gnomAD 0.00001; TOPMed 0.00002.
gnomAD v4.1: 6 of 1,614,096 alleles (0.00037%); highest among the groups gnomAD compares: Non-Finnish European, 0.00051%; no homozygotes.

Submissions (3):

CeGaT Center for Human Genetics Tuebingen
Classification: Likely benign. Last evaluated: 2026-08-01. Review status: criteria provided, single submitter. Criteria: CeGaT Center For Human Genetics Tuebingen Variant Classification Criteria Version 2. Collection method: clinical testing. Allele origin: germline. Affected: yes. Observed: 1 variant allele.
Comment: CDKN1B: BP4, BP7

Labcorp Genetics (formerly Invitae), Labcorp
Classification: Likely benign for Multiple endocrine neoplasia type 4. Last evaluated: 2026-01-01. Review status: criteria provided, single submitter. Criteria: Invitae Variant Classification Sherloc (09022015). Collection method: clinical testing. Allele origin: germline.

Ambry Genetics
Classification: Likely benign for Hereditary cancer-predisposing syndrome. Last evaluated: 2021-01-01. Review status: criteria provided, single submitter. Criteria: Ambry Variant Classification Scheme 2023. Collection method: clinical testing. Allele origin: germline.

NM_004064.5(CDKN1B):c.207C>T (p.Pro69=)

Gene: CDKN1B (cyclin dependent kinase inhibitor 1B; plus strand). Cytogenetic location: 12p13.1.
Variant type: single nucleotide variant.
Coding change: c.207C>T on transcript NM_004064.5 (MANE Select); coding-DNA position 207, C replaced by T.
Protein change: p.Pro69=; no amino-acid change (proline 69 retained).
Molecular consequence: synonymous variant.
Genome position (GRCh38, 1-based): chr12:12,718,046, C>T. VCF-style: chr12-12718046-C-T. GRCh37 (hg19) VCF-style: chr12-12870980-C-T.
Identifiers: ClinVar variation 719946 (VCV000719946.14), dbSNP rs746849706, ClinGen allele CA6457412.